The following is an entry in ClinVar:

NM_000293.3(PHKB):c.893C>T (p.Pro298Leu)

Gene: PHKB (phosphorylase kinase regulatory subunit beta; plus strand). Cytogenetic location: 16q12.1.
Variant type: single nucleotide variant.
Coding change: c.893C>T on transcript NM_000293.3 (MANE Select); coding-DNA position 893, C replaced by T.
Protein change: p.Pro298Leu; replaces proline 298 with leucine.
Molecular consequence: missense variant.
Genome position (GRCh38, 1-based): chr16:47,588,927, C>T. VCF-style: chr16-47588927-C-T. GRCh37 (hg19) VCF-style: chr16-47622838-C-T.
Other names: p.Pro298Leu; c.872C>T, p.Pro291Leu (NM_001031835.3); c.893C>T, p.Pro298Leu (NM_001363837.1); short protein forms P291L, P298L.
Identifiers: ClinVar variation 1036490 (VCV001036490.5), dbSNP rs558898797, ClinGen allele CA8040656.

ClinVar aggregate classification (germline): Uncertain significance. Review status: criteria provided, multiple submitters, no conflicts (2 of 4 stars). 2 submissions from 2 submitters: Uncertain significance (2). Last evaluated 2025-01-27.

Conditions:
Glycogen storage disease IXb (GSD9B). Also called: PHOSPHORYLASE KINASE DEFICIENCY OF LIVER AND MUSCLE, AUTOSOMAL RECESSIVE; GLYCOGENOSIS OF LIVER AND MUSCLE, AUTOSOMAL RECESSIVE; GSD IXb. Identifiers: Orphanet 79240, MedGen C0543514, MONDO:0009868, OMIM 261750.

Allele frequency attached by ClinVar (database versions not stated): gnomAD exomes 0.00002 and 0.00011; TOPMed 0.00005; ExAC 0.00009; 1000 Genomes Project 30x 0.00031; 1000 Genomes Project 0.00040.
gnomAD v4.1: 31 of 1,613,834 alleles (0.0019%); highest among the groups gnomAD compares: East Asian, 0.06%; no homozygotes.

Submissions (2):

Mayo Clinic Laboratories, Mayo Clinic
Classification: Uncertain significance. Last evaluated: 2025-01-27. Review status: criteria provided, single submitter. Criteria: ACMG Guidelines, 2015. Collection method: clinical testing. Allele origin: germline. Observed: 1 variant allele.
Comment: PP3_moderate

Labcorp Genetics (formerly Invitae), Labcorp
Classification: Uncertain significance for Glycogen storage disease IXb. Last evaluated: 2022-11-02. Review status: criteria provided, single submitter. Criteria: Invitae Variant Classification Sherloc (09022015). Collection method: clinical testing. Allele origin: germline.
Comment: This sequence change replaces proline, which is neutral and non-polar, with leucine, which is neutral and non-polar, at codon 298 of the PHKB protein (p.Pro298Leu). This variant is present in population databases (rs558898797, gnomAD 0.1%). This variant has not been reported in the literature in individuals affected with PHKB-related conditions. ClinVar contains an entry for this variant (Variation ID: 1036490). Algorithms developed to predict the effect of missense changes on protein structure and function are either unavailable or do not agree on the potential impact of this missense change (SIFT: "Tolerated"; PolyPhen-2: "Possibly Damaging"; Align-GVGD: "Class C0"). In summary, the available evidence is currently insufficient to determine the role of this variant in disease. Therefore, it has been classified as a Variant of Uncertain Significance.